The following is an entry in ClinVar:

ClinVar aggregate classification (germline): Uncertain significance (1 of 4 stars; one submission).

Submission:

Labcorp Genetics (formerly Invitae), Labcorp
Classification: Uncertain significance. Last evaluated: 2023-06-03. Review status: criteria provided, single submitter. Criteria: Invitae Variant Classification Sherloc (09022015). Collection method: clinical testing. Allele origin: germline.
Comment: In summary, the available evidence is currently insufficient to determine the role of this variant in disease. Therefore, it has been classified as a Variant of Uncertain Significance. Algorithms developed to predict the effect of sequence changes on RNA splicing suggest that this variant may disrupt the consensus splice site. Advanced modeling of protein sequence and biophysical properties (such as structural, functional, and spatial information, amino acid conservation, physicochemical variation, residue mobility, and thermodynamic stability) performed at Invitae indicates that this missense variant is not expected to disrupt CHD8 protein function. This variant has not been reported in the literature in individuals affected with CHD8-related conditions. This variant is not present in population databases (gnomAD no frequency). This sequence change replaces phenylalanine, which is neutral and non-polar, with leucine, which is neutral and non-polar, at codon 711 of the CHD8 protein (p.Phe711Leu).

NM_001170629.2(CHD8):c.2133C>A (p.Phe711Leu)

Gene: CHD8 (chromodomain helicase DNA binding protein 8; minus strand). Cytogenetic location: 14q11.2.
Variant type: single nucleotide variant.
Coding change: c.2133C>A on transcript NM_001170629.2 (MANE Select); coding-DNA position 2133, C replaced by A.
Protein change: p.Phe711Leu; replaces phenylalanine 711 with leucine.
Molecular consequence: missense variant.
Genome position (GRCh38, 1-based): chr14:21,414,310, G>T on the plus strand (C>A on the coding strand, the complement: CHD8 is on the minus strand). VCF-style: chr14-21414310-G-T. GRCh37 (hg19) VCF-style: chr14-21882469-G-T.
Other names: c.1296C>A, p.Phe432Leu (NM_020920.4); short protein forms F432L, F711L.
Identifiers: ClinVar variation 2764762 (VCV002764762.3), dbSNP rs2501947236, ClinGen allele CA388877903.
Genomic context (GRCh38, chr14:21,414,310, plus strand): 5'-TAATTTGTGCTTCTGTGAAAGAAATGACAGGCAATACCTATTCCTAATTACCTCATGGAA[G>T]AAGTGTCTCATCTGAGCCATTTTGGTTTTGAAGCGCTTTAATTTTTGATGTATCCTCTTA-3'
Protein context (NP_001164100.1, residues 701-721): FKTKMAQMRH[Phe711Leu]FHEDEEPFNP